The following is an entry in ClinVar:

ClinVar aggregate classification (germline): Uncertain significance (1 of 4 stars; one submission).

Submission:

Mayo Clinic Laboratories, Mayo Clinic
Classification: Uncertain significance. Last evaluated: 2022-10-20. Review status: criteria provided, single submitter. Criteria: ACMG Guidelines, 2015. Collection method: clinical testing. Allele origin: germline. Observed: 1 variant allele.
Comment: BP4, PM2

NM_001042492.3(NF1):c.6190T>A (p.Ser2064Thr)

Gene: NF1 (neurofibromin 1; plus strand). Cytogenetic location: 17q11.2.
Variant type: single nucleotide variant.
Coding change: c.6190T>A on transcript NM_001042492.3 (MANE Select); coding-DNA position 6190, T replaced by A.
Protein change: p.Ser2064Thr; replaces serine 2064 with threonine.
Molecular consequence: missense variant.
Genome position (GRCh38, 1-based): chr17:31,336,677, T>A. VCF-style: chr17-31336677-T-A. GRCh37 (hg19) VCF-style: chr17-29663695-T-A.
Other names: p.Ser2043Thr; c.6127T>A, p.Ser2043Thr (NM_000267.4); short protein forms S2043T, S2064T.
Identifiers: ClinVar variation 2683415 (VCV002683415.1), dbSNP rs2508748116, ClinGen allele CA399011822.
Genomic context (GRCh38, chr17:31,336,677, plus strand): 5'-AATCCTGCTTCTTTACAGGTTATTGGAAGGATGTGCAAAATAATTGACAAGACATGCTTA[T>A]CTCCAACTCCTACTTTAGAACAACATCTTATGTGGGATGATATTGCTATTTTAGCACGCT-3'
Protein context (NP_001035957.1, residues 2054-2074): MCKIIDKTCL[Ser2064Thr]PTPTLEQHLM